The following is an entry in ClinVar:

NM_133433.4(NIPBL):c.7111A>G (p.Ile2371Val)

Gene: NIPBL (NIPBL cohesin loading factor; plus strand). Cytogenetic location: 5p13.2.
Variant type: single nucleotide variant.
Coding change: c.7111A>G on transcript NM_133433.4 (MANE Select); coding-DNA position 7111, A replaced by G.
Protein change: p.Ile2371Val; replaces isoleucine 2371 with valine.
Molecular consequence: missense variant.
Genome position (GRCh38, 1-based): chr5:37,052,414, A>G. VCF-style: chr5-37052414-A-G. GRCh37 (hg19) VCF-style: chr5-37052516-A-G.
Other names: c.7111A>G, p.Ile2371Val (NM_015384.5); short protein forms I2371V.
Identifiers: ClinVar variation 1303706 (VCV001303706.3), dbSNP rs143355392, ClinGen allele CA3237140.

ClinVar aggregate classification (germline): Uncertain significance (1 of 4 stars; one submission).

Allele frequency attached by ClinVar (database versions not stated): gnomAD exomes below 0.00001; ExAC 0.00001; gnomAD 0.00001; TOPMed 0.00001; ESP Exome Variant Server 0.00008.
gnomAD v4.1: 2 of 1,613,998 alleles (0.00012%); highest among the groups gnomAD compares: Non-Finnish European, 0.00017%; no homozygotes.

Submission:

GeneDx
Classification: Uncertain significance. Last evaluated: 2024-05-28. Review status: criteria provided, single submitter. Criteria: GeneDx Variant Classification Process June 2021. Collection method: clinical testing. Allele origin: germline. Affected: yes.
Comment: In silico analysis indicates that this missense variant does not alter protein structure/function; Has not been previously published as pathogenic or benign to our knowledge